The following is an entry in ClinVar:

NM_001330723.2(SNX27):c.1240-5_1240-3del

Gene: SNX27 (sorting nexin 27; plus strand). Cytogenetic location: 1q21.3.
Variant type: Deletion.
Coding change: c.1240-5_1240-3del on transcript NM_001330723.2 (MANE Select); 5 bases into the intron before coding-DNA position 1240 through 3 bases into the intron before coding-DNA position 1240, 3 bases deleted (TTT; older notation c.1240-5_1240-3delTTT).
Molecular consequence: intron variant.
Genome position (GRCh38, 1-based): chr1:151,692,430-151,692,432, TTT deleted; deleting any 3 consecutive bases within chr1:151,692,407-151,692,432 gives the same sequence; the c. name uses the placement nearest the transcript's 3' end. VCF-style (leftmost placement, unchanged base first): chr1-151692406-CTTT-C. GRCh37 (hg19) VCF-style: chr1-151664882-CTTT-C.
Other names: c.1240-5_1240-3del (NM_030918.6).
Identifiers: ClinVar variation 3060478 (VCV003060478.2), dbSNP rs61159507, ClinGen allele CA526310611.

ClinVar aggregate classification (germline): Benign (0 of 4 stars; one submission).

Conditions:
SNX27-related disorder. Also called: SNX27-related condition.

Submission:

PreventionGenetics, part of Exact Sciences
Classification: Benign for SNX27-related condition. Last evaluated: 2019-07-16. Review status: no assertion criteria provided. Collection method: clinical testing. Allele origin: germline.
Comment: This variant is classified as benign based on ACMG/AMP sequence variant interpretation guidelines (Richards et al. 2015 PMID: 25741868, with internal and published modifications).